The following is an entry in ClinVar:

ClinVar aggregate classification (germline): Uncertain significance. Review status: criteria provided, multiple submitters, no conflicts (2 of 4 stars). 2 submissions from 2 submitters: Uncertain significance (2). Last evaluated 2024-10-09.

Conditions:
Dilated cardiomyopathy 1JJ (CMD1JJ). Identifiers: Orphanet 154, MedGen C3808935, MONDO:0014095, OMIM 615235.
Cardiovascular phenotype. Identifiers: MedGen CN230736.

Submissions (2):

Ambry Genetics
Classification: Uncertain significance for Cardiovascular phenotype. Last evaluated: 2024-10-09. Review status: criteria provided, single submitter. Criteria: Ambry Variant Classification Scheme 2023. Collection method: clinical testing. Allele origin: germline.

Labcorp Genetics (formerly Invitae), Labcorp
Classification: Uncertain significance for Dilated cardiomyopathy 1JJ. Last evaluated: 2022-08-22. Review status: criteria provided, single submitter. Criteria: Invitae Variant Classification Sherloc (09022015). Collection method: clinical testing. Allele origin: germline.
Comment: In summary, the available evidence is currently insufficient to determine the role of this variant in disease. Therefore, it has been classified as a Variant of Uncertain Significance. Algorithms developed to predict the effect of missense changes on protein structure and function (SIFT, PolyPhen-2, Align-GVGD) all suggest that this variant is likely to be tolerated. This variant has not been reported in the literature in individuals affected with LAMA4-related conditions. This variant is not present in population databases (gnomAD no frequency). This sequence change replaces arginine, which is basic and polar, with lysine, which is basic and polar, at codon 123 of the LAMA4 protein (p.Arg123Lys).

NM_001105206.3(LAMA4):c.368G>A (p.Arg123Lys)

Gene: LAMA4 (laminin subunit alpha 4; minus strand). Cytogenetic location: 6q21.
Variant type: single nucleotide variant.
Coding change: c.368G>A on transcript NM_001105206.3 (MANE Select); coding-DNA position 368, G replaced by A.
Protein change: p.Arg123Lys; replaces arginine 123 with lysine.
Molecular consequence: missense variant.
Genome position (GRCh38, 1-based): chr6:112,207,075, C>T on the plus strand (G>A on the coding strand, the complement: LAMA4 is on the minus strand). VCF-style: chr6-112207075-C-T. GRCh37 (hg19) VCF-style: chr6-112528276-C-T.
Other names: c.368G>A, p.Arg123Lys (NM_001105207.3, NM_002290.5); short protein forms R123K.
Identifiers: ClinVar variation 2075069 (VCV002075069.5), dbSNP rs2547191530, ClinGen allele CA365380975.
Genomic context (GRCh38, chr6:112,207,075, plus strand): 5'-ACTTACTTGGCCAAGTGGGGCAGGGGACAGGGGCACGGCTGGCAGAATTGGGGTGCTCCC[C>T]TGATGGAATCTCCGATATAACCATCCAGACACTTTTCACAGTGCTCTCCTGTTGTGTTCC-3'
Protein context (NP_001098676.2, residues 113-133): CLDGYIGDSI[Arg123Lys]GAPQFCQPCP